The following is an entry in ClinVar:

ClinVar aggregate classification (germline): Conflicting classifications of pathogenicity. Review status: criteria provided, conflicting classifications (1 of 4 stars). 3 submissions from 3 submitters: Uncertain significance (1); Likely benign (2). Last evaluated 2026-09-16.

Conditions:
DNMT3A-related disorder. Also called: DNMT3A-related disorders; DNMT3A-related condition.
Tatton-Brown-Rahman overgrowth syndrome. Also called: Tatton-Brown-Rahman syndrome; Tall stature-intellectual disability-facial dysmorphism syndrome. Identifiers: Orphanet 404443, MedGen C4014545, MONDO:0014382, OMIM 615879.

gnomAD v4.1: 66 of 1,549,038 alleles (0.0043%); highest among the groups gnomAD compares: East Asian, 0.024%; no homozygotes.

Submissions (3):

PreventionGenetics, part of Exact Sciences
Classification: Uncertain significance for DNMT3A-related condition. Last evaluated: 2026-09-16. Review status: criteria provided, single submitter. Criteria: ACMG Guidelines, 2015. Collection method: clinical testing. Allele origin: germline.
Comment: The DNMT3A c.28G>A variant is predicted to result in the amino acid substitution p.Gly10Arg. To our knowledge, this variant has not been reported as a germline variant in the literature. This variant is reported in 0.038% of alleles in individuals of East Asian descent in gnomAD. At this time, the clinical significance of this variant is uncertain due to the absence of conclusive functional and genetic evidence.

CeGaT Center for Human Genetics Tuebingen
Classification: Likely benign. Last evaluated: 2026-03-01. Review status: criteria provided, single submitter. Criteria: CeGaT Center For Human Genetics Tuebingen Variant Classification Criteria Version 2. Collection method: clinical testing. Allele origin: germline. Affected: yes. Observed: 1 variant allele.
Comment: DNMT3A: BS2

Labcorp Genetics (formerly Invitae), Labcorp
Classification: Likely benign for Tatton-Brown-Rahman overgrowth syndrome. Last evaluated: 2025-12-30. Review status: criteria provided, single submitter. Criteria: Invitae Variant Classification Sherloc (09022015). Collection method: clinical testing. Allele origin: germline.

NM_022552.5(DNMT3A):c.28G>A (p.Gly10Arg)

Gene: DNMT3A (DNA methyltransferase 3 alpha; minus strand). Cytogenetic location: 2p23.3.
Variant type: single nucleotide variant.
Coding change: c.28G>A on transcript NM_022552.5 (MANE Select); coding-DNA position 28, G replaced by A.
Protein change: p.Gly10Arg; replaces glycine 10 with arginine.
Molecular consequence: missense variant. On other transcripts: non-coding transcript variant (1).
Genome position (GRCh38, 1-based): chr2:25,313,957, C>T on the plus strand (G>A on the coding strand, the complement: DNMT3A is on the minus strand). VCF-style: chr2-25313957-C-T. GRCh37 (hg19) VCF-style: chr2-25536826-C-T.
Other names: c.28G>A, p.Gly10Arg (NM_001320892.2, NM_175629.2, NM_175630.1); short protein forms G10R.
Identifiers: ClinVar variation 3350257 (VCV003350257.7).